The following is an entry in ClinVar:

NM_001358530.2(MOCS1):c.330C>T (p.Leu110=)

Gene: MOCS1 (molybdenum cofactor synthesis 1; minus strand). Cytogenetic location: 6p21.2.
Variant type: single nucleotide variant.
Coding change: c.330C>T on transcript NM_001358530.2 (MANE Select); coding-DNA position 330, C replaced by T.
Protein change: p.Leu110=; no amino-acid change (leucine 110 retained).
Molecular consequence: synonymous variant. On other transcripts: non-coding transcript variant (1).
Genome position (GRCh38, 1-based): chr6:39,925,766, G>A on the plus strand (C>T on the coding strand, the complement: MOCS1 is on the minus strand). VCF-style: chr6-39925766-G-A. GRCh37 (hg19) VCF-style: chr6-39893510-G-A.
Other names: p.Leu110=; c.330C>T, p.Leu110= (NM_001075098.4, NM_001358529.2, NM_005943.6); c.69C>T, p.Leu23= (NM_001358531.2, NM_001358533.2, NM_001358534.2).
Identifiers: ClinVar variation 356668 (VCV000356668.18), dbSNP rs61746375, ClinGen allele CA3796344.

ClinVar aggregate classification (germline): Benign. Review status: criteria provided, multiple submitters, no conflicts (2 of 4 stars). 4 submissions from 4 submitters: Benign (4). Last evaluated 2026-02-03.

Conditions:
Sulfite oxidase deficiency due to molybdenum cofactor deficiency type A. Also called: Molybdenum cofactor deficiency, complementation group A; Molybdenum Cofactor Deficiency A. Identifiers: Orphanet 308386, Orphanet 833, MedGen C1854988, MONDO:0009643, OMIM 252150.

Allele frequency attached by ClinVar (database versions not stated): gnomAD exomes 0.00272 and 0.00636; ExAC 0.00759; 1000 Genomes Project 0.01817; 1000 Genomes Project 30x 0.01968; gnomAD 0.02363 and 0.02544; ESP Exome Variant Server 0.02701; TOPMed 0.02741.
gnomAD v4.1: 7,716 of 1,612,810 alleles (0.48%); highest among the groups gnomAD compares: African/African-American, 8.2%; 289 homozygotes.

Submissions (4):

Labcorp Genetics (formerly Invitae), Labcorp
Classification: Benign for Sulfite oxidase deficiency due to molybdenum cofactor deficiency type A. Last evaluated: 2026-02-03. Review status: criteria provided, single submitter. Criteria: Invitae Variant Classification Sherloc (09022015). Collection method: clinical testing. Allele origin: germline.

GeneDx
Classification: Benign. Last evaluated: 2021-05-05. Review status: criteria provided, single submitter. Criteria: GeneDx Variant Classification Process June 2021. Collection method: clinical testing. Allele origin: germline. Affected: yes.

Mayo Clinic Laboratories, Mayo Clinic
Classification: Benign. Last evaluated: 2018-08-02. Review status: criteria provided, single submitter. Criteria: ACMG Guidelines, 2015. Collection method: clinical testing. Allele origin: germline. Observed: 12 variant alleles.

Illumina Laboratory Services, Illumina
Classification: Benign for Sulfite oxidase deficiency due to molybdenum cofactor deficiency type A. Last evaluated: 2018-01-13. Review status: criteria provided, single submitter. Criteria: ICSL Variant Classification Criteria 13 December 2019. Collection method: clinical testing. Allele origin: germline.
Comment: This variant was observed in the ICSL laboratory as part of a predisposition screen in an ostensibly healthy population. It had not been previously curated by ICSL or reported in the Human Gene Mutation Database (HGMD: prior to June 1st, 2018), and was therefore a candidate for classification through an automated scoring system. Utilizing variant allele frequency, disease prevalence and penetrance estimates, and inheritance mode, an automated score was calculated to assess if this variant is too frequent to cause the disease. Based on the score and internal cut-off values, a variant classified as benign is not then subjected to further curation. The score for this variant resulted in a classification of benign for this disease.